The following is an entry in ClinVar:

NM_021813.4(BACH2):c.1020C>T (p.Cys340=)

Gene: BACH2 (BACH transcriptional regulator 2; minus strand). Cytogenetic location: 6q15.
Variant type: single nucleotide variant.
Coding change: c.1020C>T on transcript NM_021813.4 (MANE Select); coding-DNA position 1020, C replaced by T.
Protein change: p.Cys340=; no amino-acid change (cysteine 340 retained).
Molecular consequence: synonymous variant.
Genome position (GRCh38, 1-based): chr6:89,951,086, G>A on the plus strand (C>T on the coding strand, the complement: BACH2 is on the minus strand). VCF-style: chr6-89951086-G-A. GRCh37 (hg19) VCF-style: chr6-90660805-G-A.
Other names: c.1020C>T, p.Cys340= (NM_001170794.2).
Identifiers: ClinVar variation 1592032 (VCV001592032.33), dbSNP rs140713874, ClinGen allele CA3928058.

ClinVar aggregate classification (germline): Likely benign. Review status: criteria provided, multiple submitters, no conflicts (2 of 4 stars). 3 submissions from 3 submitters: Likely benign (3). Last evaluated 2025-06-26.

Allele frequency attached by ClinVar (database versions not stated): ExAC 0.00002; gnomAD exomes 0.00002 and 0.00003; TOPMed 0.00006; gnomAD 0.00007 and 0.00008; ESP Exome Variant Server 0.00015.
gnomAD v4.1: 55 of 1,612,496 alleles (0.0034%); highest among the groups gnomAD compares: African/African-American, 0.0093%; no homozygotes.

Submissions (3):

Labcorp Genetics (formerly Invitae), Labcorp
Classification: Likely benign. Last evaluated: 2025-06-26. Review status: criteria provided, single submitter. Criteria: Invitae Variant Classification Sherloc (09022015). Collection method: clinical testing. Allele origin: germline.

Blueprint Genetics
Classification: Likely benign. Last evaluated: 2024-01-04. Review status: criteria provided, single submitter. Criteria: ACMG Guidelines, 2015. Collection method: clinical testing. Allele origin: germline.

CeGaT Center for Human Genetics Tuebingen
Classification: Likely benign. Last evaluated: 2022-09-01. Review status: criteria provided, single submitter. Criteria: CeGaT Center For Human Genetics Tuebingen Variant Classification Criteria Version 2. Collection method: clinical testing. Allele origin: germline. Affected: yes. Observed: 1 variant allele.
Comment: BACH2: BP4, BP7